The following is an entry in ClinVar:

NM_020964.3(EPG5):c.5653_5654del (p.Leu1885fs)

Gene: EPG5 (ectopic P-granules 5 autophagy tethering factor; minus strand). Cytogenetic location: 18q12.3.
Variant type: Deletion.
Coding change: c.5653_5654del on transcript NM_020964.3 (MANE Select); coding-DNA positions 5653 to 5654, 2 bases deleted (TT; older notation c.5653_5654delTT).
Protein change: p.Leu1885fs; shifts the reading frame from leucine 1885.
Molecular consequence: frameshift variant.
Genome position (GRCh38, 1-based): chr18:45,880,088-45,880,089, AA deleted on the plus strand (TT on the coding strand, the reverse complement: EPG5 is on the minus strand). VCF-style (leftmost placement, unchanged base first): chr18-45880087-CAA-C. GRCh37 (hg19) VCF-style: chr18-43460052-CAA-C.
Other names: short protein forms L1885fs.
Identifiers: ClinVar variation 1356590 (VCV001356590.7), dbSNP rs759930622, ClinGen allele CA8948531.

ClinVar aggregate classification (germline): Pathogenic (1 of 4 stars; one submission).

Conditions:
Vici syndrome (VICIS). Identifiers: Orphanet 1493, MedGen C1855772, MONDO:0009452, OMIM 242840.

Allele frequency attached by ClinVar (database versions not stated): gnomAD exomes below 0.00001; ExAC 0.00001; gnomAD 0.00001; TOPMed 0.00002.

Submission:

Labcorp Genetics (formerly Invitae), Labcorp
Classification: Pathogenic for Vici syndrome. Last evaluated: 2023-02-14. Review status: criteria provided, single submitter. Criteria: Invitae Variant Classification Sherloc (09022015). Collection method: clinical testing. Allele origin: germline.
Comment: This sequence change creates a premature translational stop signal (p.Leu1885Valfs*18) in the EPG5 gene. It is expected to result in an absent or disrupted protein product. Loss-of-function variants in EPG5 are known to be pathogenic (PMID: 23222957, 23674064). For these reasons, this variant has been classified as Pathogenic. ClinVar contains an entry for this variant (Variation ID: 1356590). This variant has not been reported in the literature in individuals affected with EPG5-related conditions. This variant is present in population databases (rs759930622, gnomAD 0.0009%).

Literature cited by the submitters: PubMed 23222957; PubMed 23674064.